The following is an entry in ClinVar:

ClinVar aggregate classification (germline): Benign. Review status: criteria provided, multiple submitters, no conflicts (2 of 4 stars). 3 submissions from 3 submitters: Benign (3). Last evaluated 2019-07-17.

Conditions:
Occult macular dystrophy (OCMD). Also called: OMD; OCCULT MACULAR DYSTROPHY, SUSCEPTIBILITY TO. Identifiers: Orphanet 247834, MedGen C3150833, MONDO:0013316, OMIM 613587, HP:0030636.

Allele frequency attached by ClinVar (database versions not stated): gnomAD exomes 0.00209 and 0.00532; ExAC 0.00612; ESP Exome Variant Server 0.02023; gnomAD 0.02189 and 0.02346; 1000 Genomes Project 0.02296; TOPMed 0.02491; 1000 Genomes Project 30x 0.02608.
gnomAD v4.1: 6,459 of 1,607,946 alleles (0.4%); highest among the groups gnomAD compares: African/African-American, 7.7%; 245 homozygotes.

Submissions (3):

GeneDx
Classification: Benign. Last evaluated: 2019-07-17. Review status: criteria provided, single submitter. Criteria: GeneDx Variant Classification Process June 2021. Collection method: clinical testing. Allele origin: germline. Affected: yes.

Illumina Laboratory Services, Illumina
Classification: Benign for Occult macular dystrophy. Last evaluated: 2018-01-13. Review status: criteria provided, single submitter. Criteria: ICSL Variant Classification Criteria 13 December 2019. Collection method: clinical testing. Allele origin: germline.
Comment: This variant was observed in the ICSL laboratory as part of a predisposition screen in an ostensibly healthy population. It had not been previously curated by ICSL or reported in the Human Gene Mutation Database (HGMD: prior to June 1st, 2018), and was therefore a candidate for classification through an automated scoring system. Utilizing variant allele frequency, disease prevalence and penetrance estimates, and inheritance mode, an automated score was calculated to assess if this variant is too frequent to cause the disease. Based on the score and internal cut-off values, a variant classified as benign is not then subjected to further curation. The score for this variant resulted in a classification of benign for this disease.

Breakthrough Genomics
Classification: Benign. Review status: criteria provided, single submitter. Criteria: ACMG Guidelines, 2015. Collection method: not provided. Allele origin: germline. Inheritance: Autosomal recessive inheritance. Affected: yes.

NM_178857.6(RP1L1):c.6718G>C (p.Glu2240Gln)

Gene: RP1L1 (RP1 like 1). Cytogenetic location: 8p23.1.
Variant type: single nucleotide variant.
Coding change: c.6718G>C on transcript NM_178857.6 (MANE Select); coding-DNA position 6718, G replaced by C.
Protein change: p.Glu2240Gln; replaces glutamic acid 2240 with glutamine.
Molecular consequence: missense variant.
Genome position (GRCh38, 1-based): chr8:10,607,380, C>G on the plus strand (G>C on the coding strand, the complement: RP1L1 is on the minus strand). VCF-style: chr8-10607380-C-G. GRCh37 (hg19) VCF-style: chr8-10464890-C-G.
Other names: short protein forms E2240Q.
Identifiers: ClinVar variation 361213 (VCV000361213.8), dbSNP rs80000074, ClinGen allele CA4623190.